The following is an entry in ClinVar:

ClinVar aggregate classification (germline): Pathogenic (1 of 4 stars; one submission).

Conditions:
Fucosidosis. Also called: ALPHA-L-FUCOSIDASE DEFICIENCY. Identifiers: Orphanet 349, MedGen C0016788, MONDO:0009254, OMIM 230000.

Submission:

Labcorp Genetics (formerly Invitae), Labcorp
Classification: Pathogenic for Fucosidosis. Last evaluated: 2024-09-03. Review status: criteria provided, single submitter. Criteria: Invitae Variant Classification Sherloc (09022015). Collection method: clinical testing. Allele origin: germline.
Comment: This sequence change creates a premature translational stop signal (p.Ile227Valfs*2) in the FUCA1 gene. It is expected to result in an absent or disrupted protein product. Loss-of-function variants in FUCA1 are known to be pathogenic (PMID: 10094192). This variant is not present in population databases (gnomAD no frequency). This variant has not been reported in the literature in individuals affected with FUCA1-related conditions. For these reasons, this variant has been classified as Pathogenic.

Literature cited by the submitters: PubMed 10094192.

NM_000147.5(FUCA1):c.679_683del (p.Ile227fs)

Gene: FUCA1 (alpha-L-fucosidase 1; minus strand). Cytogenetic location: 1p36.11.
Variant type: Microsatellite.
Coding change: c.679_683del on transcript NM_000147.5 (MANE Select); coding-DNA positions 679 to 683, 5 bases deleted (ATCTG; older notation c.679_683delATCTG).
Protein change: p.Ile227fs; shifts the reading frame from isoleucine 227.
Molecular consequence: frameshift variant. On other transcripts: non-coding transcript variant (4).
Genome position (GRCh38, 1-based): chr1:23,859,883-23,859,887, CAGAT deleted on the plus strand (ATCTG on the coding strand, the reverse complement: FUCA1 is on the minus strand); deleting any 5 consecutive bases within chr1:23,859,883-23,859,895 gives the same sequence; the c. name uses the placement nearest the transcript's 3' end. VCF-style (leftmost placement, unchanged base first): chr1-23859882-CCAGAT-C. GRCh37 (hg19) VCF-style: chr1-24186372-CCAGAT-C.
Other names: short protein forms I227fs.
Identifiers: ClinVar variation 2791475 (VCV002791475.3), dbSNP rs1267309141, ClinGen allele CA416604190.